The following is an entry in ClinVar:

ClinVar aggregate classification (germline): Uncertain significance (1 of 4 stars; one submission).

Conditions:
Hereditary cancer-predisposing syndrome. Also called: Neoplastic Syndromes, Hereditary; Tumor predisposition; Hereditary Cancer Syndrome; Hereditary neoplastic syndrome. Identifiers: Orphanet 140162, MedGen C0027672, MeSH D009386, MONDO:0015356.

gnomAD v4.1: 4 of 1,612,606 alleles (0.00025%); highest among the groups gnomAD compares: African/African-American, 0.0013%; no homozygotes.

Submission:

Ambry Genetics
Classification: Uncertain significance for Hereditary cancer-predisposing syndrome. Last evaluated: 2026-03-06. Review status: criteria provided, single submitter. Criteria: Ambry Variant Classification Scheme 2023. Collection method: clinical testing. Allele origin: germline.
Comment: The p.D215G variant (also known as c.644A>G), located in coding exon 4 of the PDGFRA gene, results from an A to G substitution at nucleotide position 644. The aspartic acid at codon 215 is replaced by glycine, an amino acid with similar properties. This amino acid position is not well conserved in available vertebrate species. In addition, this alteration is predicted to be tolerated by in silico analysis. Based on the available evidence, the clinical significance of this variant remains unclear.

NM_006206.6(PDGFRA):c.644A>G (p.Asp215Gly)

Gene: PDGFRA (platelet derived growth factor receptor alpha; plus strand). Cytogenetic location: 4q12.
Variant type: single nucleotide variant.
Coding change: c.644A>G on transcript NM_006206.6 (MANE Select); coding-DNA position 644, A replaced by G.
Protein change: p.Asp215Gly; replaces aspartic acid 215 with glycine.
Molecular consequence: missense variant.
Genome position (GRCh38, 1-based): chr4:54,264,934, A>G. VCF-style: chr4-54264934-A-G. GRCh37 (hg19) VCF-style: chr4-55131101-A-G.
Other names: c.644A>G, p.Asp215Gly (NM_001347827.2, NM_001347829.2); c.719A>G, p.Asp240Gly (NM_001347828.2); c.683A>G, p.Asp228Gly (NM_001347830.2); short protein forms D215G, D240G, D228G.
Identifiers: ClinVar variation 4827557 (VCV004827557.1).
Genomic context (GRCh38, chr4:54,264,934, plus strand): 5'-CTATCCTGTGGATTTTTAGGCCCTTGTATTTGTTCTTTTTTATAGCAACATCAGAGCTGG[A>G]TCTAGAAATGGAAGCTCTTAAAACCGTGTATAAGTCAGGGGAAACGATTGTGGTCACCTG-3'
Protein context (NP_006197.1, residues 205-225): VYALKATSEL[Asp215Gly]LEMEALKTVY